The following is an entry in ClinVar:

ClinVar aggregate classification (germline): Uncertain significance. Review status: criteria provided, multiple submitters, no conflicts (2 of 4 stars). 2 submissions from 2 submitters: Uncertain significance (2). Last evaluated 2025-07-15.

Conditions:
Peutz-Jeghers syndrome (PJS). Also called: Peutz-Jeghers polyposis; Periorificial lentiginosis syndrome; POLYPOSIS, HAMARTOMATOUS INTESTINAL; POLYPS-AND-SPOTS SYNDROME. Identifiers: Orphanet 2869, MedGen C0031269, MeSH D010580, MONDO:0008280, OMIM 175200.
Hereditary cancer-predisposing syndrome. Also called: Tumor predisposition; Hereditary neoplastic syndrome; Neoplastic Syndromes, Hereditary; Hereditary Cancer Syndrome. Identifiers: Orphanet 140162, MedGen C0027672, MeSH D009386, MONDO:0015356.

Submissions (2):

Color Diagnostics, LLC DBA Color Health
Classification: Uncertain significance for Hereditary cancer-predisposing syndrome. Last evaluated: 2025-07-15. Review status: criteria provided, single submitter. Criteria: ACMG Guidelines, 2015. Collection method: clinical testing. Allele origin: germline.
Comment: This missense variant replaces cysteine with tyrosine at codon 132 of the STK11 protein. Computational prediction suggests that this variant may have deleterious impact on protein structure and function. To our knowledge, functional studies have not been reported for this variant. This variant has not been reported in individuals affected with STK11-related disorders in the literature. This variant has not been identified in the general population by the Genome Aggregation Database (gnomAD). Different variants occurring at the same codon, p.Cys132Trp and p.Cys132Arg, have been observed in individuals affected with Peutz-Jeghers syndrome (PMID: 32462036ClinVar variation ID 852152). Although there is a suspicion for a pathogenic role, the available evidence is insufficient to determine the role of this p.Cys132Tyr variant in disease conclusively. Therefore, this variant is classified as a Variant of Uncertain Significance.

Labcorp Genetics (formerly Invitae), Labcorp
Classification: Uncertain significance for Peutz-Jeghers syndrome. Last evaluated: 2023-12-27. Review status: criteria provided, single submitter. Criteria: Invitae Variant Classification Sherloc (09022015). Collection method: clinical testing. Allele origin: germline.
Comment: This sequence change replaces cysteine, which is neutral and slightly polar, with tyrosine, which is neutral and polar, at codon 132 of the STK11 protein (p.Cys132Tyr). This variant is not present in population databases (gnomAD no frequency). This variant has not been reported in the literature in individuals affected with STK11-related conditions. Advanced modeling of protein sequence and biophysical properties (such as structural, functional, and spatial information, amino acid conservation, physicochemical variation, residue mobility, and thermodynamic stability) performed at Invitae indicates that this missense variant is expected to disrupt STK11 protein function with a positive predictive value of 95%. This variant disrupts the p.Cys132 amino acid residue in STK11. Other variant(s) that disrupt this residue have been determined to be pathogenic (PMID: 32462036; Invitae). This suggests that this residue is clinically significant, and that variants that disrupt this residue are likely to be disease-causing. In summary, the available evidence is currently insufficient to determine the role of this variant in disease. Therefore, it has been classified as a Variant of Uncertain Significance.

Literature cited by the submitters: PubMed 32462036 (cited by Color Diagnostics, LLC DBA Color Health and Labcorp Genetics (formerly Invitae), Labcorp).

NM_000455.5(STK11):c.395G>A (p.Cys132Tyr)

Gene: STK11 (serine/threonine kinase 11; plus strand). Cytogenetic location: 19p13.3.
Variant type: single nucleotide variant.
Coding change: c.395G>A on transcript NM_000455.5 (MANE Select); coding-DNA position 395, G replaced by A.
Protein change: p.Cys132Tyr; replaces cysteine 132 with tyrosine.
Molecular consequence: missense variant. On other transcripts: non-coding transcript variant (1).
Genome position (GRCh38, 1-based): chr19:1,219,344, G>A. VCF-style: chr19-1219344-G-A. GRCh37 (hg19) VCF-style: chr19-1219343-G-A.
Other names: c.395G>A, p.Cys132Tyr (NM_001407255.1); short protein forms C132Y.
Identifiers: ClinVar variation 2692684 (VCV002692684.4), dbSNP rs2512940245, ClinGen allele CA402948161.
Genomic context (GRCh38, chr19:1,219,344, plus strand): 5'-GTGGGGCCGCCCCCTGAGCTGTGTGTCCTTAGCGCCCCACGTATATGGTGATGGAGTACT[G>A]CGTGTGTGGCATGCAGGAAATGCTGGACAGCGTGCCGGAGAAGCGTTTCCCAGTGTGCCA-3'
Protein context (NP_000446.1, residues 122-142): KQKMYMVMEY[Cys132Tyr]VCGMQEMLDS